The following is an entry in ClinVar:

NM_001037.5(SCN1B):c.448+2215G>A

Gene: SCN1B (sodium voltage-gated channel beta subunit 1; plus strand). Cytogenetic location: 19q13.11.
Variant type: single nucleotide variant.
Coding change: c.448+2215G>A on transcript NM_001037.5 (MANE Select); 2215 bases into the intron after coding-DNA position 448, G replaced by A.
Molecular consequence: intron variant. On other transcripts: 3 prime UTR variant (1).
Genome position (GRCh38, 1-based): chr19:35,035,954, G>A. VCF-style: chr19-35035954-G-A. GRCh37 (hg19) VCF-style: chr19-35526858-G-A.
Other names: c.*1856G>A (NM_199037.5); c.349+2215G>A (NM_001321605.2).
Identifiers: ClinVar variation 2498769 (VCV002498769.28), dbSNP rs554546299, ClinGen allele CA307706999.

ClinVar aggregate classification (germline): Likely benign (1 of 4 stars; one submission).

Allele frequency attached by ClinVar (database versions not stated): 1000 Genomes Project 0.00020; 1000 Genomes Project 30x 0.00031; TOPMed 0.00139; gnomAD 0.00211.

Submission:

CeGaT Center for Human Genetics Tuebingen
Classification: Likely benign. Last evaluated: 2026-07-01. Review status: criteria provided, single submitter. Criteria: CeGaT Center For Human Genetics Tuebingen Variant Classification Criteria Version 2. Collection method: clinical testing. Allele origin: germline. Affected: yes. Observed: 19 variant alleles.
Comment: SCN1B: BS2